The following is an entry in ClinVar:

ClinVar aggregate classification (germline): Uncertain significance. Review status: criteria provided, multiple submitters, no conflicts (2 of 4 stars). 2 submissions from 2 submitters: Uncertain significance (2). Last evaluated 2025-03-07.

Conditions:
Hereditary cancer-predisposing syndrome. Also called: Neoplastic Syndromes, Hereditary; Tumor predisposition; Hereditary neoplastic syndrome; Hereditary Cancer Syndrome. Identifiers: Orphanet 140162, MedGen C0027672, MeSH D009386, MONDO:0015356.

Submissions (2):

Labcorp Genetics (formerly Invitae), Labcorp
Classification: Uncertain significance. Last evaluated: 2025-03-07. Review status: criteria provided, single submitter. Criteria: Invitae Variant Classification Sherloc (09022015). Collection method: clinical testing. Allele origin: germline.
Comment: This sequence change replaces phenylalanine, which is neutral and non-polar, with serine, which is neutral and polar, at codon 1345 of the POLE protein (p.Phe1345Ser). This variant is not present in population databases (gnomAD no frequency). This variant has not been reported in the literature in individuals affected with POLE-related conditions. ClinVar contains an entry for this variant (Variation ID: 3016490). Invitae Evidence Modeling of protein sequence and biophysical properties (such as structural, functional, and spatial information, amino acid conservation, physicochemical variation, residue mobility, and thermodynamic stability) indicates that this missense variant is not expected to disrupt POLE protein function with a negative predictive value of 80%. In summary, the available evidence is currently insufficient to determine the role of this variant in disease. Therefore, it has been classified as a Variant of Uncertain Significance.

Ambry Genetics
Classification: Uncertain significance for Hereditary cancer-predisposing syndrome. Last evaluated: 2024-12-06. Review status: criteria provided, single submitter. Criteria: Ambry Variant Classification Scheme 2023. Collection method: clinical testing. Allele origin: germline.
Comment: The p.F1345S variant (also known as c.4034T>C), located in coding exon 32 of the POLE gene, results from a T to C substitution at nucleotide position 4034. The phenylalanine at codon 1345 is replaced by serine, an amino acid with highly dissimilar properties. This amino acid position is conserved. In addition, the in silico prediction for this alteration is inconclusive. Based on the available evidence, the clinical significance of this variant remains unclear.

NM_006231.4(POLE):c.4034T>C (p.Phe1345Ser)

Gene: POLE (DNA polymerase epsilon, catalytic subunit; minus strand). Cytogenetic location: 12q24.33.
Variant type: single nucleotide variant.
Coding change: c.4034T>C on transcript NM_006231.4 (MANE Select); coding-DNA position 4034, T replaced by C.
Protein change: p.Phe1345Ser; replaces phenylalanine 1345 with serine.
Molecular consequence: missense variant.
Genome position (GRCh38, 1-based): chr12:132,649,044, A>G on the plus strand (T>C on the coding strand, the complement: POLE is on the minus strand). VCF-style: chr12-132649044-A-G. GRCh37 (hg19) VCF-style: chr12-133225630-A-G.
Other names: c.4034T>C (NM_006231.2); short protein forms F1345S.
Identifiers: ClinVar variation 3016490 (VCV003016490.4), dbSNP rs2138599604, ClinGen allele CA387383951.